The following is an entry in ClinVar:

NM_001349253.2(SCN11A):c.1894G>T (p.Asp632Tyr)

Gene: SCN11A (sodium voltage-gated channel alpha subunit 11; minus strand). Cytogenetic location: 3p22.2.
Variant type: single nucleotide variant.
Coding change: c.1894G>T on transcript NM_001349253.2 (MANE Select); coding-DNA position 1894, G replaced by T.
Protein change: p.Asp632Tyr; replaces aspartic acid 632 with tyrosine.
Molecular consequence: missense variant.
Genome position (GRCh38, 1-based): chr3:38,900,022, C>A on the plus strand (G>T on the coding strand, the complement: SCN11A is on the minus strand). VCF-style: chr3-38900022-C-A. GRCh37 (hg19) VCF-style: chr3-38941513-C-A.
Other names: c.1894G>T, p.Asp632Tyr (NM_014139.3); short protein forms D632Y.
Identifiers: ClinVar variation 2942073 (VCV002942073.3), dbSNP rs1293136665, ClinGen allele CA352161895.

ClinVar aggregate classification (germline): Uncertain significance (1 of 4 stars; one submission).

Conditions:
Hereditary sensory and autonomic neuropathy type 7. Also called: HSAN VII; Neuropathy, hereditary sensory and autonomic, type VII. Identifiers: Orphanet 391397, MedGen C3809882, MONDO:0014244, OMIM 615548.
Familial episodic pain syndrome with predominantly lower limb involvement. Also called: Episodic pain syndrome, familial, 3. Identifiers: Orphanet 391384, Orphanet 391392, MedGen C3809899, MONDO:0014247, OMIM 615552.

Submission:

Labcorp Genetics (formerly Invitae), Labcorp
Classification: Uncertain significance for Familial episodic pain syndrome with predominantly lower limb involvement; Hereditary sensory and autonomic neuropathy type 7. Last evaluated: 2022-12-05. Review status: criteria provided, single submitter. Criteria: Invitae Variant Classification Sherloc (09022015). Collection method: clinical testing. Allele origin: germline.
Comment: In summary, the available evidence is currently insufficient to determine the role of this variant in disease. Therefore, it has been classified as a Variant of Uncertain Significance. Advanced modeling of protein sequence and biophysical properties (such as structural, functional, and spatial information, amino acid conservation, physicochemical variation, residue mobility, and thermodynamic stability) performed at Invitae indicates that this missense variant is expected to disrupt SCN11A protein function. This variant has not been reported in the literature in individuals affected with SCN11A-related conditions. This variant is not present in population databases (gnomAD no frequency). This sequence change replaces aspartic acid, which is acidic and polar, with tyrosine, which is neutral and polar, at codon 632 of the SCN11A protein (p.Asp632Tyr).